The following is an entry in ClinVar:

NM_170601.5(SIAE):c.406-5_406-4insTCAATTTCTTTTTTTTTTTTTTTTTTTTTTTTNNNNNNNNNNCAGGCGGCTGGGAGGTGGTTGTAGCGAGCCGAGATCACGCCACTGCACTCCAGCCTTGGCACCATTGAGCACTC

Gene: SIAE (sialic acid acetylesterase; minus strand). Cytogenetic location: 11q24.2.
Variant type: Microsatellite.
Coding change: c.406-5_406-4insTCAATTTCTTTTTTTTTTTTTTTTTTTTTTTTNNNNNNNNNNCAGGCGGCTGGGAGGTGGTTGTAGCGAGCCGAGATCACGCCACTGCACTCCAGCCTTGGCACCATTGAGCACTC on transcript NM_170601.5 (MANE Select); 5 bases into the intron before coding-DNA position 406 through 4 bases into the intron before coding-DNA position 406, TCAATTTCTTTTTTTTTTTTTTTTTTTTTTTTNNNNNNNNNNCAGGCGGCTGGGAGGTGGTTGTAGCGAGCCGAGATCACGCCACTGCACTCCAGCCTTGGCACCATTGAGCACTC inserted.
Molecular consequence: intron variant.
Genome position: GRCh38: chr11:124,654,798-124,654,809. GRCh37 (hg19), VCF-style position (the base before the change): chr11:124,524,693.
Other names: c.301-5_301-4insTCAATTTCTTTTTTTTTTTTTTTTTTTTTTTTNNNNNNNNNNCAGGCGGCTGGGAGGTGGTTGTAGCGAGCCGAGATCACGCCACTGCACTCCAGCCTTGGCACCATTGAGCACTC (NM_001199922.2).
Identifiers: ClinVar variation 4717087 (VCV004717087.1).

ClinVar aggregate classification (germline): Uncertain significance (1 of 4 stars; one submission).

Submission:

Labcorp Genetics (formerly Invitae), Labcorp
Classification: Uncertain significance. Last evaluated: 2025-04-10. Review status: criteria provided, single submitter. Criteria: Invitae Variant Classification Sherloc (09022015). Collection method: clinical testing. Allele origin: germline.
Comment: This sequence change falls in intron 3 of the SIAE gene. It does not directly change the encoded amino acid sequence of the SIAE protein. This variant is not present in population databases (gnomAD no frequency). This variant has not been reported in the literature in individuals affected with SIAE-related conditions. Experimental studies and prediction algorithms are not available or were not evaluated, and the effect of this variant on mRNA splicing is currently unknown. In summary, the available evidence is currently insufficient to determine the role of this variant in disease. Therefore, it has been classified as a Variant of Uncertain Significance.